The following is an entry in ClinVar:

NM_000384.3(APOB):c.11920G>T (p.Ala3974Ser)

Gene: APOB (apolipoprotein B; minus strand). Cytogenetic location: 2p24.1.
Variant type: single nucleotide variant.
Coding change: c.11920G>T on transcript NM_000384.3 (MANE Select); coding-DNA position 11920, G replaced by T.
Protein change: p.Ala3974Ser; replaces alanine 3974 with serine.
Molecular consequence: missense variant.
Genome position (GRCh38, 1-based): chr2:21,004,436, C>A on the plus strand (G>T on the coding strand, the complement: APOB is on the minus strand). VCF-style: chr2-21004436-C-A. GRCh37 (hg19) VCF-style: chr2-21227308-C-A.
Other names: short protein forms A3974S.
Identifiers: ClinVar variation 5026885 (VCV005026885.1).

ClinVar aggregate classification (germline): Uncertain significance (1 of 4 stars; one submission).

Conditions:
Cardiovascular phenotype. Identifiers: MedGen CN230736.

Submission:

Ambry Genetics
Classification: Uncertain significance for Cardiovascular phenotype. Last evaluated: 2026-06-15. Review status: criteria provided, single submitter. Criteria: Ambry Variant Classification Scheme 2023. Collection method: clinical testing. Allele origin: germline.
Comment: The p.A3974S variant (also known as c.11920G>T), located in coding exon 28 of the APOB gene, results from a G to T substitution at nucleotide position 11920. The alanine at codon 3974 is replaced by serine, an amino acid with similar properties. This amino acid position is conserved. In addition, this alteration is predicted to be tolerated by in silico analysis. Based on the available evidence, the clinical significance of this variant remains unclear.